The following is an entry in ClinVar:

NM_002692.4(POLE2):c.955T>C (p.Phe319Leu)

Gene: POLE2 (DNA polymerase epsilon 2, accessory subunit; minus strand). Cytogenetic location: 14q21.3.
Variant type: single nucleotide variant.
Coding change: c.955T>C on transcript NM_002692.4 (MANE Select); coding-DNA position 955, T replaced by C.
Protein change: p.Phe319Leu; replaces phenylalanine 319 with leucine.
Molecular consequence: missense variant.
Genome position (GRCh38, 1-based): chr14:49,655,068, A>G on the plus strand (T>C on the coding strand, the complement: POLE2 is on the minus strand). VCF-style: chr14-49655068-A-G. GRCh37 (hg19) VCF-style: chr14-50121786-A-G.
Other names: c.877T>C, p.Phe293Leu (NM_001197330.2); c.955T>C, p.Phe319Leu (NM_001197331.3, NM_001348384.2); c.724T>C, p.Phe242Leu (NM_001348385.2); short protein forms F293L, F242L, F319L.
Identifiers: ClinVar variation 4704338 (VCV004704338.1).
Genomic context (GRCh38, chr14:49,655,068, plus strand): 5'-TCAAAGCTTGAACTTGATTTTTTCCATATGGTGCAGATGAAAAATTACCACACAGAATAA[A>G]GCAGGTTGGAGGTGCTGGTGAATAACCTAAACAATAAAAGAGTAAATGAACAATACTTTT-3'
Protein context (NP_002683.2, residues 309-329): AGYSPAPPTC[Phe319Leu]ILCGNFSSAP

ClinVar aggregate classification (germline): Uncertain significance (1 of 4 stars; one submission).

Submission:

Labcorp Genetics (formerly Invitae), Labcorp
Classification: Uncertain significance. Last evaluated: 2025-10-13. Review status: criteria provided, single submitter. Criteria: Invitae Variant Classification Sherloc (09022015). Collection method: clinical testing. Allele origin: germline.
Comment: This sequence change replaces phenylalanine, which is neutral and non-polar, with leucine, which is neutral and non-polar, at codon 319 of the POLE2 protein (p.Phe319Leu). This variant is present in population databases (no rsID available, gnomAD 0.004%). This variant has not been reported in the literature in individuals affected with POLE2-related conditions. An algorithm developed to predict the effect of missense changes on protein structure and function (PolyPhen-2) suggests that this variant is likely to be disruptive. In summary, the available evidence is currently insufficient to determine the role of this variant in disease. Therefore, it has been classified as a Variant of Uncertain Significance.